The following is an entry in ClinVar:

ClinVar aggregate classification (germline): Uncertain significance (1 of 4 stars; one submission).

Submission:

Dasa
Classification: Uncertain significance. Last evaluated: 2026-04-11. Review status: criteria provided, single submitter. Criteria: DASA Assertion Criteria. Collection method: clinical testing. Allele origin: germline.
Comment: NM_002291.3(LAMB1):c.4888A>T (p.Ile1630Phe) is a missense variant that results in the substitution of isoleucine with phenylalanine. This variant is absent from population databases. The currently available literature and clinical evidence are not sufficient to establish a definitive association between this variant and the reported condition. Therefore, this variant is classified as a variant of uncertain significance.

NM_002291.3(LAMB1):c.4888A>T (p.Ile1630Phe)

Gene: LAMB1 (laminin subunit beta 1; minus strand). Cytogenetic location: 7q31.1.
Variant type: single nucleotide variant.
Coding change: c.4888A>T on transcript NM_002291.3 (MANE Select); coding-DNA position 4888, A replaced by T.
Protein change: p.Ile1630Phe; replaces isoleucine 1630 with phenylalanine.
Molecular consequence: missense variant.
Genome position (GRCh38, 1-based): chr7:107,926,359, T>A on the plus strand (A>T on the coding strand, the complement: LAMB1 is on the minus strand). VCF-style: chr7-107926359-T-A. GRCh37 (hg19) VCF-style: chr7-107566804-T-A.
Other names: short protein forms I1630F.
Identifiers: ClinVar variation 4881346 (VCV004881346.2).
Genomic context (GRCh38, chr7:107,926,359, plus strand): 5'-CGCTGATGCGCTGGGACGCGTTGAACAAGGTTTCCTCAGAAGCTGCTGTTTCAGACTCAA[T>A]CTAAAAGCATGTCAATTTTCCAGCAAGACATTAGTTTAAGAAATGGAATTACTATGAGTA-3'
Protein context (NP_002282.2, residues 1620-1640): IQGTQNLLTS[Ile1630Phe]ESETAASEET